The following is an entry in ClinVar:

ClinVar aggregate classification (germline): Benign/Likely benign. Review status: criteria provided, multiple submitters, no conflicts (2 of 4 stars). 10 submissions from 10 submitters: Benign (3); Likely benign (6). 1 of the submissions does not count toward it. Last evaluated 2026-01-16.

Conditions:
ASPM-related disorder. Also called: ASPM-related condition.
Microcephaly 5, primary, autosomal recessive (MCPH5). Also called: ASPM Primary Microcephaly. Identifiers: Orphanet 2512, MedGen C1837501, MONDO:0012106, OMIM 608716.

Allele frequency attached by ClinVar (database versions not stated): gnomAD exomes 0.00032 and 0.00093; ExAC 0.00113; gnomAD 0.00402 and 0.00427; 1000 Genomes Project 30x 0.00422; TOPMed 0.00460; ESP Exome Variant Server 0.00469; 1000 Genomes Project 0.00479.

Submissions (10):

Labcorp Genetics (formerly Invitae), Labcorp
Classification: Benign. Last evaluated: 2026-01-16. Review status: criteria provided, single submitter. Criteria: Invitae Variant Classification Sherloc (09022015). Collection method: clinical testing. Allele origin: germline.

CeGaT Center for Human Genetics Tuebingen
Classification: Likely benign. Last evaluated: 2025-12-01. Review status: criteria provided, single submitter. Criteria: CeGaT Center For Human Genetics Tuebingen Variant Classification Criteria Version 2. Collection method: clinical testing. Allele origin: germline. Affected: yes. Observed: 2 variant alleles.
Comment: ASPM: BP4, BS1

Genome-Nilou Lab
Classification: Likely benign for Microcephaly 5, primary, autosomal recessive. Last evaluated: 2023-04-11. Review status: criteria provided, single submitter. Criteria: ACMG Guidelines, 2015. Collection method: clinical testing. Allele origin: germline. Affected: no.

GeneDx
Classification: Likely benign. Last evaluated: 2021-01-28. Review status: criteria provided, single submitter. Criteria: GeneDx Variant Classification Process June 2021. Collection method: clinical testing. Allele origin: germline. Affected: yes.

Athena Diagnostics
Classification: Benign. Last evaluated: 2019-11-08. Review status: criteria provided, single submitter. Criteria: Athena Diagnostics Criteria. Collection method: clinical testing. Allele origin: unknown.

Genetic Services Laboratory, University of Chicago
Classification: Benign. Last evaluated: 2018-03-01. Review status: criteria provided, single submitter. Criteria: ACMG Guidelines, 2015. Collection method: clinical testing. Allele origin: germline. Affected: no.

Illumina Laboratory Services, Illumina
Classification: Likely benign for Microcephaly 5, primary, autosomal recessive. Last evaluated: 2018-01-12. Review status: criteria provided, single submitter. Criteria: ICSL Variant Classification Criteria 13 December 2019. Collection method: clinical testing. Allele origin: germline.
Comment: This variant was observed in the ICSL laboratory as part of a predisposition screen in an ostensibly healthy population. It had not been previously curated by ICSL or reported in the Human Gene Mutation Database (HGMD: prior to June 1st, 2018), and was therefore a candidate for classification through an automated scoring system. Utilizing variant allele frequency, disease prevalence and penetrance estimates, and inheritance mode, an automated score was calculated to assess if this variant is too frequent to cause the disease. Based on the score and internal cut-off values, a variant classified as likely benign is not then subjected to further curation. The score for this variant resulted in a classification of likely benign for this disease.

Center for Pediatric Genomic Medicine, Children's Mercy Hospital and Clinics
Classification: Likely benign. Last evaluated: 2017-04-19. Review status: criteria provided, single submitter. Criteria: ACMG Guidelines, 2015. Collection method: clinical testing. Allele origin: germline.

Breakthrough Genomics
Classification: Likely benign. Review status: criteria provided, single submitter. Criteria: ACMG Guidelines, 2015. Collection method: not provided. Allele origin: germline. Inheritance: Autosomal recessive inheritance. Affected: yes.

PreventionGenetics, part of Exact Sciences
Classification: Benign for ASPM-related condition. Last evaluated: 2019-12-30. Review status: no assertion criteria provided. Collection method: clinical testing. Allele origin: germline. Not counted in ClinVar's aggregate classification.
Comment: This variant is classified as benign based on ACMG/AMP sequence variant interpretation guidelines (Richards et al. 2015 PMID: 25741868, with internal and published modifications).

NM_018136.5(ASPM):c.5741A>G (p.Gln1914Arg)

Gene: ASPM (assembly factor for spindle microtubules; minus strand). Cytogenetic location: 1q31.3.
Variant type: single nucleotide variant.
Coding change: c.5741A>G on transcript NM_018136.5 (MANE Select); coding-DNA position 5741, A replaced by G.
Protein change: p.Gln1914Arg; replaces glutamine 1914 with arginine.
Molecular consequence: missense variant. On other transcripts: intron variant (1).
Genome position (GRCh38, 1-based): chr1:197,103,510, T>C on the plus strand (A>G on the coding strand, the complement: ASPM is on the minus strand). VCF-style: chr1-197103510-T-C. GRCh37 (hg19) VCF-style: chr1-197072640-T-C.
Other names: c.4066-7346A>G (NM_001206846.2); short protein forms Q1914R.
Identifiers: ClinVar variation 294621 (VCV000294621.32), dbSNP rs113325473, ClinGen allele CA1309696.